The following is an entry in ClinVar:

ClinVar aggregate classification (germline): Uncertain significance (1 of 4 stars; one submission).

Submission:

GeneDx
Classification: Uncertain significance. Last evaluated: 2023-06-12. Review status: criteria provided, single submitter. Criteria: GeneDx Variant Classification Process June 2021. Collection method: clinical testing. Allele origin: germline. Affected: yes.
Comment: Not observed at significant frequency in large population cohorts (gnomAD); In silico analysis supports that this missense variant has a deleterious effect on protein structure/function; Has not been previously published as pathogenic or benign to our knowledge

NM_006766.5(KAT6A):c.1641G>A (p.Met547Ile)

Gene: KAT6A (lysine acetyltransferase 6A; minus strand). Cytogenetic location: 8p11.21.
Variant type: single nucleotide variant.
Coding change: c.1641G>A on transcript NM_006766.5 (MANE Select); coding-DNA position 1641, G replaced by A.
Protein change: p.Met547Ile; replaces methionine 547 with isoleucine.
Molecular consequence: missense variant.
Genome position (GRCh38, 1-based): chr8:41,949,321, C>T on the plus strand (G>A on the coding strand, the complement: KAT6A is on the minus strand). VCF-style: chr8-41949321-C-T. GRCh37 (hg19) VCF-style: chr8-41806839-C-T.
Other names: c.1641G>A, p.Met547Ile (NM_001305878.2); short protein forms M547I.
Identifiers: ClinVar variation 3359414 (VCV003359414.1).
Genomic context (GRCh38, chr8:41,949,321, plus strand): 5'-GGCAGGAGGATGGAACCAACCACATTTCTTCATGTGCTGCTGCAGAATAGTTCTACTTTT[C>T]ATATATTTTAGACAAAATTCACAAAGATACAATTTGGGCAGCCTGTAAACGATAATTAAA-3'
Protein context (NP_006757.2, residues 537-557): LYLCEFCLKY[Met547Ile]KSRTILQQHM